The following is an entry in ClinVar:

ClinVar aggregate classification (germline): Uncertain significance (1 of 4 stars; one submission).

Conditions:
DNAH5-related disorder. Also called: DNAH5-related condition.

Submission:

PreventionGenetics, part of Exact Sciences
Classification: Uncertain significance for DNAH5-related condition. Last evaluated: 2026-06-28. Review status: criteria provided, single submitter. Criteria: ACMG Guidelines, 2015. Collection method: clinical testing. Allele origin: germline.
Comment: The DNAH5 c.2156G>A variant is predicted to result in the amino acid substitution p.Arg719Lys. To our knowledge, this variant has not been reported in the literature or in a large population database (gnomAD), indicating this variant is rare. At this time, the clinical significance of this variant is uncertain due to the absence of conclusive functional and genetic evidence.

NM_001369.3(DNAH5):c.2156G>A (p.Arg719Lys)

Genes: DNAH5 (dynein axonemal heavy chain 5; minus strand), DNAH5-AS1 (DNAH5 antisense RNA 1; plus strand). Cytogenetic location: 5p15.2.
Variant type: single nucleotide variant.
Coding change: c.2156G>A on transcript NM_001369.3 (MANE Select); coding-DNA position 2156, G replaced by A.
Protein change: p.Arg719Lys; replaces arginine 719 with lysine.
Molecular consequence: missense variant. On other transcripts: non-coding transcript variant (1).
Genome position (GRCh38, 1-based): chr5:13,900,309, C>T on the plus strand (G>A on the coding strand, the complement: DNAH5 is on the minus strand). VCF-style: chr5-13900309-C-T. GRCh37 (hg19) VCF-style: chr5-13900418-C-T.
Other names: short protein forms R719K.
Identifiers: ClinVar variation 4994830 (VCV004994830.1).